The following is an entry in ClinVar:

ClinVar aggregate classification (germline): Uncertain significance (1 of 4 stars; one submission).

Conditions:
Arginine:glycine amidinotransferase deficiency (CCDS3). Also called: Creatine deficiency syndrome due to AGAT deficiency; GATM deficiency; Cerebral creatine deficiency syndrome 3; AGAT deficiency; L-Arginine:Glycine Amidinotransferase (AGAT) Deficiency; L-Arginine:Glycine Amidinotransferase Deficiency. Identifiers: Orphanet 35704, MedGen C2675179, MONDO:0012996, OMIM 612718.

Submission:

Labcorp Genetics (formerly Invitae), Labcorp
Classification: Uncertain significance for Arginine:glycine amidinotransferase deficiency. Last evaluated: 2025-02-03. Review status: criteria provided, single submitter. Criteria: Invitae Variant Classification Sherloc (09022015). Collection method: clinical testing. Allele origin: germline.
Comment: This sequence change replaces threonine, which is neutral and polar, with alanine, which is neutral and non-polar, at codon 211 of the GATM protein (p.Thr211Ala). This variant is not present in population databases (gnomAD no frequency). This variant has not been reported in the literature in individuals affected with GATM-related conditions. ClinVar contains an entry for this variant (Variation ID: 1996247). Invitae Evidence Modeling of protein sequence and biophysical properties (such as structural, functional, and spatial information, amino acid conservation, physicochemical variation, residue mobility, and thermodynamic stability) indicates that this missense variant is expected to disrupt GATM protein function with a positive predictive value of 95%. In summary, the available evidence is currently insufficient to determine the role of this variant in disease. Therefore, it has been classified as a Variant of Uncertain Significance.

NM_001482.3(GATM):c.631A>G (p.Thr211Ala)

Gene: GATM (glycine amidinotransferase; minus strand). Cytogenetic location: 15q21.1.
Variant type: single nucleotide variant.
Coding change: c.631A>G on transcript NM_001482.3 (MANE Select); coding-DNA position 631, A replaced by G.
Protein change: p.Thr211Ala; replaces threonine 211 with alanine.
Molecular consequence: missense variant.
Genome position (GRCh38, 1-based): chr15:45,368,114, T>C on the plus strand (A>G on the coding strand, the complement: GATM is on the minus strand). VCF-style: chr15-45368114-T-C. GRCh37 (hg19) VCF-style: chr15-45660312-T-C.
Other names: c.244A>G, p.Thr82Ala (NM_001321015.2); short protein forms T82A, T211A.
Identifiers: ClinVar variation 1996247 (VCV001996247.4), dbSNP rs2541991870, ClinGen allele CA392260671.
Genomic context (GRCh38, chr15:45,368,114, plus strand): 5'-ATAATTAGGGACTCACCTGGTTATAAAGCTCATCAGCCATTGTGGGCTTAGGAGCTGTTG[T>C]CCACTTGGCGCCACGGTGGAAGTAGTCTTTGATAATTGACCTGTACGCTCGGTACTCAAA-3'
Protein context (NP_001473.1, residues 201-221): KDYFHRGAKW[Thr211Ala]TAPKPTMADE